The following is an entry in ClinVar:

ClinVar aggregate classification (germline): Uncertain significance (1 of 4 stars; one submission).

Allele frequency attached by ClinVar (database versions not stated): gnomAD exomes below 0.00001; TOPMed below 0.00001; ExAC 0.00001; gnomAD 0.00001.

Submission:

Labcorp Genetics (formerly Invitae), Labcorp
Classification: Uncertain significance. Last evaluated: 2022-10-05. Review status: criteria provided, single submitter. Criteria: Invitae Variant Classification Sherloc (09022015). Collection method: clinical testing. Allele origin: germline.
Comment: This variant has not been reported in the literature in individuals affected with SC5D-related conditions. In summary, the available evidence is currently insufficient to determine the role of this variant in disease. Therefore, it has been classified as a Variant of Uncertain Significance. Advanced modeling of protein sequence and biophysical properties (such as structural, functional, and spatial information, amino acid conservation, physicochemical variation, residue mobility, and thermodynamic stability) performed at Invitae indicates that this missense variant is expected to disrupt SC5D protein function. ClinVar contains an entry for this variant (Variation ID: 1383007). This variant is present in population databases (rs768100179, gnomAD 0.0009%). This sequence change replaces glycine, which is neutral and non-polar, with aspartic acid, which is acidic and polar, at codon 251 of the SC5D protein (p.Gly251Asp).

NM_006918.5(SC5D):c.752G>A (p.Gly251Asp)

Gene: SC5D (sterol-C5-desaturase; plus strand). Cytogenetic location: 11q24.1.
Variant type: single nucleotide variant.
Coding change: c.752G>A on transcript NM_006918.5 (MANE Select); coding-DNA position 752, G replaced by A.
Protein change: p.Gly251Asp; replaces glycine 251 with aspartic acid.
Molecular consequence: missense variant.
Genome position (GRCh38, 1-based): chr11:121,307,364, G>A. VCF-style: chr11-121307364-G-A. GRCh37 (hg19) VCF-style: chr11-121178073-G-A.
Other names: c.752G>A, p.Gly251Asp (NM_001024956.3); short protein forms G251D.
Identifiers: ClinVar variation 1383007 (VCV001383007.6), dbSNP rs768100179, ClinGen allele CA6328224.